The following is an entry in ClinVar:

NM_024753.5(TTC21B):c.1516+1G>A

Gene: TTC21B (tetratricopeptide repeat domain 21B; minus strand). Cytogenetic location: 2q24.3.
Variant type: single nucleotide variant.
Coding change: c.1516+1G>A on transcript NM_024753.5 (MANE Select); the canonical splice donor site of the intron after coding-DNA position 1516, G replaced by A.
Molecular consequence: splice donor variant.
Genome position (GRCh38, 1-based): chr2:165,924,548, C>T on the plus strand (G>A on the coding strand, the complement: TTC21B is on the minus strand). VCF-style: chr2-165924548-C-T. GRCh37 (hg19) VCF-style: chr2-166781058-C-T.
Identifiers: ClinVar variation 2943835 (VCV002943835.3), dbSNP rs2468197052, ClinGen allele CA349062147.
Genomic context (GRCh38, chr2:165,924,548, plus strand): 5'-TTACGCTTGTTTTTATCAACATCAGAATAAAAAGGTTAAAAGTTTTTAAGGTATACTCTA[C>T]CTGACAAATATTTCACTTTTGCTATTAGGAAGACTGTTTGCAGAAGACCTGGAACAGTTC-3'

ClinVar aggregate classification (germline): Likely pathogenic (1 of 4 stars; one submission).

Conditions:
Jeune thoracic dystrophy. Also called: Jeune syndrome; Infantile thoracic dystrophy; Thoracic pelvic phalangeal dystrophy; Jeune's syndrome; Chondroectodermal dysplasia-like syndrome; Short-rib thoracic dysplasia. Identifiers: Orphanet 474, MedGen C0265275, MONDO:0018770.
Nephronophthisis. Also called: Juvenile Nephronophthisis. Identifiers: Orphanet 655, MedGen C0687120, MONDO:0019005, HP:0000090.

Submission:

Labcorp Genetics (formerly Invitae), Labcorp
Classification: Likely pathogenic for Jeune thoracic dystrophy; Nephronophthisis. Last evaluated: 2023-04-20. Review status: criteria provided, single submitter. Criteria: Invitae Variant Classification Sherloc (09022015). Collection method: clinical testing. Allele origin: germline.
Comment: This sequence change affects a donor splice site in intron 12 of the TTC21B gene. It is expected to disrupt RNA splicing. Variants that disrupt the donor or acceptor splice site typically lead to a loss of protein function (PMID: 16199547), and loss-of-function variants in TTC21B are known to be pathogenic (PMID: 18327258, 21068128, 21258341, 23559409, 24876116, 25492405, 27491411, 29068549). This variant is not present in population databases (gnomAD no frequency). This variant has not been reported in the literature in individuals affected with TTC21B-related conditions. Algorithms developed to predict the effect of sequence changes on RNA splicing suggest that this variant may disrupt the consensus splice site. In summary, the currently available evidence indicates that the variant is pathogenic, but additional data are needed to prove that conclusively. Therefore, this variant has been classified as Likely Pathogenic.

Literature cited by the submitters: PubMed 16199547; PubMed 18327258; PubMed 21068128; PubMed 21258341; PubMed 23559409; PubMed 24876116; PubMed 25492405; PubMed 27491411; PubMed 29068549.